The following is an entry in ClinVar:

ClinVar aggregate classification (germline): Uncertain significance (1 of 4 stars; one submission).

Conditions:
Inborn genetic diseases. Identifiers: MedGen C0950123, MeSH D030342.

Submission:

Ambry Genetics
Classification: Uncertain significance for Inborn genetic diseases. Last evaluated: 2024-03-27. Review status: criteria provided, single submitter. Criteria: Ambry Variant Classification Scheme 2023. Collection method: clinical testing. Allele origin: germline.
Comment: The p.C212R variant (also known as c.634T>C), located in coding exon 6 of the EPAS1 gene, results from a T to C substitution at nucleotide position 634. The cysteine at codon 212 is replaced by arginine, an amino acid with highly dissimilar properties. This amino acid position is conserved. In addition, the in silico prediction for this alteration is inconclusive. Since supporting evidence is limited at this time, the clinical significance of this alteration remains unclear.

NM_001430.5(EPAS1):c.634T>C (p.Cys212Arg)

Genes: EPAS1 (endothelial PAS domain protein 1; plus strand), LOC126806210 (BRD4-independent group 4 enhancer GRCh37_chr2:46587586-46588785; plus strand). Cytogenetic location: 2p21.
Variant type: single nucleotide variant.
Coding change: c.634T>C on transcript NM_001430.5 (MANE Select); coding-DNA position 634, T replaced by C.
Protein change: p.Cys212Arg; replaces cysteine 212 with arginine.
Molecular consequence: missense variant.
Genome position (GRCh38, 1-based): chr2:46,360,945, T>C. VCF-style: chr2-46360945-T-C. GRCh37 (hg19) VCF-style: chr2-46588084-T-C.
Other names: short protein forms C212R.
Identifiers: ClinVar variation 1753005 (VCV001753005.2), dbSNP rs2546455386, ClinGen allele CA346699959.